The following is an entry in ClinVar:

NM_144670.6(A2ML1):c.3252C>T (p.His1084=)

Gene: A2ML1 (alpha-2-macroglobulin like 1; plus strand). Cytogenetic location: 12p13.31.
Variant type: single nucleotide variant.
Coding change: c.3252C>T on transcript NM_144670.6 (MANE Select); coding-DNA position 3252, C replaced by T.
Protein change: p.His1084=; no amino-acid change (histidine 1084 retained).
Molecular consequence: synonymous variant.
Genome position (GRCh38, 1-based): chr12:8,858,090, C>T. VCF-style: chr12-8858090-C-T. GRCh37 (hg19) VCF-style: chr12-9010686-C-T.
Other names: c.1779C>T, p.His593= (NM_001282424.3).
Identifiers: ClinVar variation 241900 (VCV000241900.45), dbSNP rs61745125, ClinGen allele CA6436298.
Genomic context (GRCh38, chr12:8,858,090, plus strand): 5'-GTGGATGGCAGGAAACCAGCTCCCCAGTGGCTGCTATGCCAACGTGGGAAATCTCCTTCA[C>T]ACAGCTATGAAGGTGCGGATCTGTCCAGGAGCCTGCAGCCAACCACTGTCTCGAAGGACC-3'
Protein context (NP_653271.3, residues 1074-1094): GCYANVGNLL[His1084=]TAMKGGVDDE

ClinVar aggregate classification (germline): Benign/Likely benign. Review status: criteria provided, multiple submitters, no conflicts (2 of 4 stars). 11 submissions from 11 submitters: Benign (5); Likely benign (2). 4 of the submissions do not count toward it. Last evaluated 2026-03-01.

Conditions:
A2ML1-related disorder. Also called: A2ML1-related condition.

Allele frequency attached by ClinVar (database versions not stated): 1000 Genomes Project 0.00180; 1000 Genomes Project 30x 0.00203; TOPMed 0.00307; ESP Exome Variant Server 0.00334; gnomAD 0.00473 and 0.00490; ExAC 0.00475; gnomAD exomes 0.00495 and 0.00539.
gnomAD v4.1: 8,555 of 1,614,110 alleles (0.53%); highest among the groups gnomAD compares: Non-Finnish European, 0.57%; 47 homozygotes.

Submissions (11):

CeGaT Center for Human Genetics Tuebingen
Classification: Likely benign. Last evaluated: 2026-03-01. Review status: criteria provided, single submitter. Criteria: CeGaT Center For Human Genetics Tuebingen Variant Classification Criteria Version 2. Collection method: clinical testing. Allele origin: germline. Affected: yes. Observed: 4 variant alleles.
Comment: A2ML1: BP4, BP7, BS2

Labcorp Genetics (formerly Invitae), Labcorp
Classification: Benign. Last evaluated: 2026-02-01. Review status: criteria provided, single submitter. Criteria: Invitae Variant Classification Sherloc (09022015). Collection method: clinical testing. Allele origin: germline.

Blueprint Genetics
Classification: Benign. Last evaluated: 2024-11-20. Review status: criteria provided, single submitter. Criteria: ACMG Guidelines, 2015. Collection method: clinical testing. Allele origin: germline.

Ambry Genetics
Classification: Likely benign. Last evaluated: 2022-02-14. Review status: criteria provided, single submitter. Criteria: Ambry Variant Classification Scheme 2023. Collection method: clinical testing. Allele origin: germline.

Women's Health and Genetics/Laboratory Corporation of America, LabCorp
Classification: Benign. Last evaluated: 2019-11-02. Review status: criteria provided, single submitter. Criteria: LabCorp Variant Classification Summary - May 2015. Collection method: clinical testing. Allele origin: germline.

GeneDx
Classification: Benign. Last evaluated: 2016-10-13. Review status: criteria provided, single submitter. Criteria: GeneDx Variant Classification (06012015). Collection method: clinical testing. Allele origin: germline. Affected: yes.
Comment: This variant is considered likely benign or benign based on one or more of the following criteria: it is a conservative change, it occurs at a poorly conserved position in the protein, it is predicted to be benign by multiple in silico algorithms, and/or has population frequency not consistent with disease.

Breakthrough Genomics
Classification: Benign. Review status: criteria provided, single submitter. Criteria: ACMG Guidelines, 2015. Collection method: not provided. Allele origin: germline. Inheritance: Autosomal dominant inheritance. Affected: yes.

PreventionGenetics, part of Exact Sciences
Classification: Benign for A2ML1-related condition. Last evaluated: 2019-09-16. Review status: no assertion criteria provided. Collection method: clinical testing. Allele origin: germline. Not counted in ClinVar's aggregate classification.
Comment: This variant is classified as benign based on ACMG/AMP sequence variant interpretation guidelines (Richards et al. 2015 PMID: 25741868, with internal and published modifications).

Clinical Genetics DNA and cytogenetics Diagnostics Lab, Erasmus MC, Erasmus Medical Center
Classification: Likely benign. Review status: no assertion criteria provided. Collection method: clinical testing. Allele origin: germline. Affected: yes. Study: VKGL Data-share Consensus. Not counted in ClinVar's aggregate classification.

Clinical Genetics, Academic Medical Center
Classification: Likely benign. Review status: no assertion criteria provided. Collection method: clinical testing. Allele origin: germline. Affected: yes. Study: VKGL Data-share Consensus. Not counted in ClinVar's aggregate classification.

Joint Genome Diagnostic Labs from Nijmegen and Maastricht, Radboudumc and MUMC+
Classification: Benign. Review status: no assertion criteria provided. Collection method: clinical testing. Allele origin: germline. Affected: yes. Study: VKGL Data-share Consensus. Not counted in ClinVar's aggregate classification.